The following is an entry in ClinVar:

ClinVar aggregate classification (germline): Likely pathogenic. Review status: reviewed by expert panel (3 of 4 stars). 4 submissions from 4 submitters: Likely pathogenic (1). 3 of the submissions do not count toward it. Last evaluated 2024-08-22.

Conditions:
Marfan syndrome (MFS). Also called: MARFAN SYNDROME, TYPE I; FBN1-Related Marfan Syndrome; Marfan syndrome type 1; Marfan's syndrome; Marfan syndrome, classic. Identifiers: Orphanet 284963, Orphanet 558, MedGen C0024796, MONDO:0007947, OMIM 154700.
Familial thoracic aortic aneurysm and aortic dissection (TAAD). Also called: Thoracic aortic aneurysms and dissections. Identifiers: Orphanet 91387, MedGen C4707243, MONDO:0019625.

Submissions (4):

ClinGen FBN1 Variant Curation Expert Panel, ClinGen
Classification: Likely pathogenic for Marfan syndrome. Last evaluated: 2024-08-22. Review status: reviewed by expert panel. Criteria: Assertion Criteria VCEP FBN1 Version 1. Collection method: curation. Allele origin: germline. Inheritance: Autosomal dominant inheritance.
Comment: NM_000138.5 c.6541T>C is a missense variant in FBN1 predicted to cause a substitution of cysteine by an arginine at amino acid 2181 (p.Cys2182Arg). It has been identified in one patient meeting clinical diagnostic criteria for Marfan syndrome, including thoracic aortic aneurysm and dissection (TAAD) and systemic involvement, and was found to segregate with TAAD and systemic features in the patient’s sibling (PP4; University of Tokyo). This variant has also been reported in two patients with TAAD, without additional phenotypes noted (PS4_supporting; PMID: 37042257, GeneDx internal data). It is absent from gnomAD (PM2_supporting;, v2.1.1, 3.1.2, 4.0.0). This variant affects a cysteine residue in a calcium-binding EGF-like domain; cysteine residues are involved in the formation of disulfide bridges which are essential for the protein structure (PM1_strong). Computational prediction tools and conservation analysis support that this variant is likely to impact the protein (PP3; REVEL = 0.993). The constraint z-score for missense variants affecting FBN1 is 8.18 (PP2; gnomAD v4.0.0). In summary, this variant meets criteria to be classified as likely pathogenic for Marfan syndrome based on the ACMG/AMP criteria applied, as specified by the ClinGen FBN1 VCEP: PM1_strong, PP2, PP3, PP4, PS4_supporting, PM2_supporting.

Labcorp Genetics (formerly Invitae), Labcorp
Classification: Likely pathogenic for Marfan syndrome; Familial thoracic aortic aneurysm and aortic dissection. Last evaluated: 2024-04-12. Review status: criteria provided, single submitter. Criteria: Invitae Variant Classification Sherloc (09022015). Collection method: clinical testing. Allele origin: germline. Not counted in ClinVar's aggregate classification.
Comment: This sequence change replaces cysteine, which is neutral and slightly polar, with arginine, which is basic and polar, at codon 2181 of the FBN1 protein (p.Cys2181Arg). This variant is not present in population databases (gnomAD no frequency). This missense change has been observed in individual(s) with clinical features of Marfan syndrome (PMID: 33059708; Invitae). ClinVar contains an entry for this variant (Variation ID: 429425). Advanced modeling of protein sequence and biophysical properties (such as structural, functional, and spatial information, amino acid conservation, physicochemical variation, residue mobility, and thermodynamic stability) performed at Invitae indicates that this missense variant is expected to disrupt FBN1 protein function with a positive predictive value of 95%. This variant affects a cysteine residue in the EGF-like, TGFBP or hybrid motif domains of FBN1. Cysteine residues are believed to be involved in intramolecular disulfide bridges and have been shown to be important for FBN1 protein structure (PMID: 16905551, 19349279). In addition, missense substitutions affecting cysteine residues within these domains are significantly overrepresented among patients with Marfan syndrome (PMID: 16571647, 17701892). This variant disrupts the p.Cys2181 amino acid residue in FBN1. Other variant(s) that disrupt this residue have been observed in individuals with FBN1-related conditions (PMID: 17418587), which suggests that this may be a clinically significant amino acid residue. In summary, the currently available evidence indicates that the variant is pathogenic, but additional data are needed to prove that conclusively. Therefore, this variant has been classified as Likely Pathogenic.

Women's Health and Genetics/Laboratory Corporation of America, LabCorp
Classification: Uncertain significance. Last evaluated: 2018-05-15. Review status: criteria provided, single submitter. Criteria: LabCorp Variant Classification Summary - May 2015. Collection method: clinical testing. Allele origin: germline. Not counted in ClinVar's aggregate classification.
Comment: Variant summary: FBN1 c.6541T>C (p.Cys2181Arg) results in a non-conservative amino acid change located in one of the EGF-like calcium-binding domains of the encoded protein sequence. Five of five in-silico tools predict a damaging effect of the variant on protein function. The variant was absent in 245966 control chromosomes (gnomAD). The available data on variant occurrences in the general population are insufficient to allow any conclusion about variant significance. To our knowledge, no occurrence of c.6541T>C in individuals affected with Marfan Syndrome and no experimental evidence demonstrating its impact on protein function have been reported. However, the variant causes the substitution of a cysteine residue, which is a common mechanism of FBN1 dysfunction. One clinical diagnostic laboratory has submitted clinical-significance assessments for this variant to ClinVar after 2014 and classified the variant as likely pathogenic. Based on the evidence outlined above, the variant was classified as VUS-possibly pathogenic until additional information becomes available.

GeneDx
Classification: Likely pathogenic. Last evaluated: 2015-08-04. Review status: criteria provided, single submitter. Criteria: GeneDx Variant Classification (06012015). Collection method: clinical testing. Allele origin: germline. Affected: yes. Not counted in ClinVar's aggregate classification.
Comment: The C2181R variant has not been published as a pathogenic variant or been reported as a benign polymorphism to our knowledge. The C2181R variant was not observed in approximately 6,500 individuals of European and African American ancestry in the NHLBI Exome Sequencing Project, indicating it is not a common benign variant in these populations. The C2181R variant is a non-conservative amino acid substitution, which is likely to impact secondary protein structure as these residues differ in polarity, charge, size and/or other properties. Additionally, this substitution occurs at a position that is conserved across species. Consequently, in silico analysis predicts this variant is probably damaging to the protein structure/function. Furthermore, a missense variant in this same residue (C2181F) and missense variant in nearby residues (G2173S, I2185T) have been reported in the Human Gene Mutation Database in association with Marfan syndrome (Stenson et al., 2014), supporting the functional importance of this residue and this region of the protein. Moreover, this variant affects a Cysteine residue within a calcium-binding EGF-like domain of the FBN1 gene, which may affect disulfide bonding and is predicted to alter the structure and function of the protein. Cysteine substitutions in the calcium-binding EGF-like domains represent the majority of pathogenic missense changes associated with Marfan syndrome (Collod-Beroud G et al., 2003).Therefore, this variant is a strong candidate for a pathogenic variant, however the possibility that it is a benign variant cannot be excluded.

Literature cited by the submitters: PubMed 33059708 (cited by Labcorp Genetics (formerly Invitae), Labcorp); PubMed 16905551 (cited by Labcorp Genetics (formerly Invitae), Labcorp); PubMed 19349279 (cited by Labcorp Genetics (formerly Invitae), Labcorp); PubMed 16571647 (cited by Labcorp Genetics (formerly Invitae), Labcorp); PubMed 17701892 (cited by Labcorp Genetics (formerly Invitae), Labcorp); PubMed 17418587 (cited by Labcorp Genetics (formerly Invitae), Labcorp).

NM_000138.5(FBN1):c.6541T>C (p.Cys2181Arg)

Gene: FBN1 (fibrillin 1; minus strand). Cytogenetic location: 15q21.1.
Variant type: single nucleotide variant.
Coding change: c.6541T>C on transcript NM_000138.5 (MANE Select); coding-DNA position 6541, T replaced by C.
Protein change: p.Cys2181Arg; replaces cysteine 2181 with arginine.
Molecular consequence: missense variant.
Genome position (GRCh38, 1-based): chr15:48,434,669, A>G on the plus strand (T>C on the coding strand, the complement: FBN1 is on the minus strand). VCF-style: chr15-48434669-A-G. GRCh37 (hg19) VCF-style: chr15-48726866-A-G.
Other names: NM_000138.5(FBN1):c.6541T>C; p.Cys2181Arg; short protein forms C2181R.
Identifiers: ClinVar variation 429425 (VCV000429425.6), dbSNP rs1131691373, ClinGen allele CA392335055.
Genomic context (GRCh38, chr15:48,434,669, plus strand): 5'-TTGGACCGGGCTCAAATCCCTCCTCGCAGGTGCATTCAAAACCTCCAATCACATTCTTGC[A>G]GGTTCCATTTCCACAAGGATTGCCAACAGAACATTCATCAGTATCTGCAAGAAACCAGGA-3'
Protein context (NP_000129.3, residues 2171-2191): SVGNPCGNGT[Cys2181Arg]KNVIGGFECT